The following is an entry in ClinVar:

ClinVar aggregate classification (germline): Uncertain significance. Review status: criteria provided, multiple submitters, no conflicts (2 of 4 stars). 2 submissions from 2 submitters: Uncertain significance (2). Last evaluated 2024-09-22.

Allele frequency attached by ClinVar (database versions not stated): gnomAD exomes below 0.00001 and 0.00001; gnomAD 0.00001.

Submissions (2):

Labcorp Genetics (formerly Invitae), Labcorp
Classification: Uncertain significance. Last evaluated: 2024-09-22. Review status: criteria provided, single submitter. Criteria: Invitae Variant Classification Sherloc (09022015). Collection method: clinical testing. Allele origin: germline.
Comment: This sequence change affects the initiator methionine of the ZNF408 mRNA. The next in-frame methionine is located at codon 232. This variant is present in population databases (no rsID available, gnomAD 0.01%). This variant has not been reported in the literature in individuals affected with ZNF408-related conditions. ClinVar contains an entry for this variant (Variation ID: 1494516). Experimental studies and prediction algorithms are not available or were not evaluated, and the functional significance of this variant is currently unknown. In summary, the available evidence is currently insufficient to determine the role of this variant in disease. Therefore, it has been classified as a Variant of Uncertain Significance.

Blueprint Genetics
Classification: Uncertain significance. Last evaluated: 2019-09-20. Review status: criteria provided, single submitter. Criteria: ACMG Guidelines, 2015. Collection method: clinical testing. Allele origin: germline.

NM_024741.3(ZNF408):c.2T>C (p.Met1Thr)

Genes: ZNF408 (zinc finger protein 408; plus strand), LOC130005659 (ATAC-STARR-seq lymphoblastoid active region 4684; plus strand). Cytogenetic location: 11p11.2.
Variant type: single nucleotide variant.
Coding change: c.2T>C on transcript NM_024741.3 (MANE Select); coding-DNA position 2, T replaced by C.
Protein change: p.Met1Thr; changes the start codon (methionine 1).
Molecular consequence: missense variant, initiator codon variant. On other transcripts: 5 prime UTR variant (1).
Genome position (GRCh38, 1-based): chr11:46,701,049, T>C. VCF-style: chr11-46701049-T-C. GRCh37 (hg19) VCF-style: chr11-46722599-T-C.
Other names: c.-65T>C (NM_001184751.2); short protein forms M1T.
Identifiers: ClinVar variation 1494516 (VCV001494516.8), dbSNP rs1313134520, ClinGen allele CA380251305.
Genomic context (GRCh38, chr11:46,701,049, plus strand): 5'-CCTGGAGGAGCTGAGAAGAGGAAGCTCACTTCCGGCGTAGGGAGGCTTTCTGACCCGGAA[T>C]GGAGGAGGCGGAGGAGCTGCTCTTGGAGGGGAAGAAGGCGCTGCAACTCGGTGAGTGACC-3'
Protein context (NP_079017.1, residues 1-11): [Met1Thr]EEAEELLLEG